The following is an entry in ClinVar:

NM_000742.4(CHRNA2):c.1528A>G (p.Ile510Val)

Gene: CHRNA2 (cholinergic receptor nicotinic alpha 2 subunit; minus strand). Cytogenetic location: 8p21.2.
Variant type: single nucleotide variant.
Coding change: c.1528A>G on transcript NM_000742.4 (MANE Select); coding-DNA position 1528, A replaced by G.
Protein change: p.Ile510Val; replaces isoleucine 510 with valine.
Molecular consequence: missense variant.
Genome position (GRCh38, 1-based): chr8:27,461,691, T>C on the plus strand (A>G on the coding strand, the complement: CHRNA2 is on the minus strand). VCF-style: chr8-27461691-T-C. GRCh37 (hg19) VCF-style: chr8-27319208-T-C.
Other names: c.1483A>G, p.Ile495Val (NM_001282455.2); c.1051A>G, p.Ile351Val (NM_001347705.2, NM_001347706.2); c.934A>G, p.Ile312Val (NM_001347707.2, NM_001347708.2); short protein forms I510V, I312V, I351V, I495V.
Identifiers: ClinVar variation 580600 (VCV000580600.6), dbSNP rs528528743, ClinGen allele CA4689411.

ClinVar aggregate classification (germline): Uncertain significance (1 of 4 stars; one submission).

Conditions:
Familial sleep-related hypermotor epilepsy. Also called: Autosomal Dominant Sleep-Related Hypermotor (Hyperkinetic) Epilepsy. Identifiers: Orphanet 98784, MedGen C3696898, MONDO:0000030.

Allele frequency attached by ClinVar (database versions not stated): 1000 Genomes Project 0.00020; gnomAD 0.00001; gnomAD exomes 0.00001 and 0.00002; 1000 Genomes Project 30x 0.00016; ExAC 0.00002.
gnomAD v4.1: 18 of 1,614,158 alleles (0.0011%); highest among the groups gnomAD compares: South Asian, 0.014%; no homozygotes.

Submission:

Labcorp Genetics (formerly Invitae), Labcorp
Classification: Uncertain significance. Last evaluated: 2018-05-04. Review status: criteria provided, single submitter. Criteria: Invitae Variant Classification Sherloc (09022015). Collection method: clinical testing. Allele origin: germline.
Comment: Algorithms developed to predict the effect of missense changes on protein structure and function output the following: SIFT: "Tolerated"; PolyPhen-2: "Benign"; Align-GVGD: "Class C0". The valine amino acid residue is found in multiple mammalian species, suggesting that this missense change does not adversely affect protein function. These predictions have not been confirmed by published functional studies and their clinical significance is uncertain. This variant has not been reported in the literature in individuals with CHRNA2-related disease. This variant is present in population databases (rs528528743, ExAC 0.01%). This sequence change replaces isoleucine with valine at codon 510 of the CHRNA2 protein (p.Ile510Val). The isoleucine residue is highly conserved and there is a small physicochemical difference between isoleucine and valine. In summary, the available evidence is currently insufficient to determine the role of this variant in disease. Therefore, it has been classified as a Variant of Uncertain Significance.